The following is an entry in ClinVar:

NM_006904.7(PRKDC):c.2227C>T (p.Leu743Phe)

Gene: PRKDC (protein kinase, DNA-activated, catalytic subunit; minus strand). Cytogenetic location: 8q11.21.
Variant type: single nucleotide variant.
Coding change: c.2227C>T on transcript NM_006904.7 (MANE Select); coding-DNA position 2227, C replaced by T.
Protein change: p.Leu743Phe; replaces leucine 743 with phenylalanine.
Molecular consequence: missense variant.
Genome position (GRCh38, 1-based): chr8:47,927,803, G>A on the plus strand (C>T on the coding strand, the complement: PRKDC is on the minus strand). VCF-style: chr8-47927803-G-A. GRCh37 (hg19) VCF-style: chr8-48840363-G-A.
Other names: c.2227C>T, p.Leu743Phe (NM_001081640.2); short protein forms L743F.
Identifiers: ClinVar variation 3425309 (VCV003425309.1).

ClinVar aggregate classification (germline): Uncertain significance (1 of 4 stars; one submission).

gnomAD v4.1: 11 of 1,586,404 alleles (0.00069%); highest among the groups gnomAD compares: Non-Finnish European, 0.00086%; no homozygotes.

Submission:

Ambry Genetics
Classification: Uncertain significance. Last evaluated: 2024-08-25. Review status: criteria provided, single submitter. Criteria: Ambry Variant Classification Scheme 2023. Collection method: clinical testing. Allele origin: germline.
Comment: The p.L743F variant (also known as c.2227C>T), located in coding exon 20 of the PRKDC gene, results from a C to T substitution at nucleotide position 2227. The leucine at codon 743 is replaced by phenylalanine, an amino acid with highly similar properties. This amino acid position is conserved. In addition, this alteration is predicted to be tolerated by in silico analysis. Based on the available evidence, the clinical significance of this variant remains unclear.